The following is an entry in ClinVar:

ClinVar aggregate classification (germline): Uncertain significance. Review status: criteria provided, multiple submitters, no conflicts (2 of 4 stars). 3 submissions from 3 submitters: Uncertain significance (3). Last evaluated 2025-09-09.

Conditions:
Hermansky-Pudlak syndrome 2 (HPS2). Also called: Platelet defects and oculocutaneous albinism. Identifiers: Orphanet 183678, Orphanet 79430, MedGen C1842362, MONDO:0011997, OMIM 608233.
Inborn genetic diseases. Identifiers: MedGen C0950123, MeSH D030342.

Allele frequency attached by ClinVar (database versions not stated): gnomAD 0.00001; gnomAD exomes 0.00003 and 0.00012; TOPMed 0.00006; ExAC 0.00012.
gnomAD v4.1: 42 of 1,612,988 alleles (0.0026%); highest among the groups gnomAD compares: Admixed American, 0.063%; no homozygotes.

Submissions (3):

Labcorp Genetics (formerly Invitae), Labcorp
Classification: Uncertain significance for Hermansky-Pudlak syndrome 2. Last evaluated: 2025-09-09. Review status: criteria provided, single submitter. Criteria: Invitae Variant Classification Sherloc (09022015). Collection method: clinical testing. Allele origin: germline.
Comment: This sequence change replaces asparagine, which is neutral and polar, with serine, which is neutral and polar, at codon 560 of the AP3B1 protein (p.Asn560Ser). This variant is present in population databases (rs776064198, gnomAD 0.08%). This variant has not been reported in the literature in individuals affected with AP3B1-related conditions. ClinVar contains an entry for this variant (Variation ID: 572740). An algorithm developed to predict the effect of missense changes on protein structure and function (PolyPhen-2) suggests that this variant is likely to be tolerated. In summary, the available evidence is currently insufficient to determine the role of this variant in disease. Therefore, it has been classified as a Variant of Uncertain Significance.

Ambry Genetics
Classification: Uncertain significance for Inborn genetic diseases. Last evaluated: 2024-03-30. Review status: criteria provided, single submitter. Criteria: Ambry Variant Classification Scheme 2023. Collection method: clinical testing. Allele origin: germline.

Mayo Clinic Laboratories, Mayo Clinic
Classification: Uncertain significance. Last evaluated: 2023-10-03. Review status: criteria provided, single submitter. Criteria: ACMG Guidelines, 2015. Collection method: clinical testing. Allele origin: germline. Observed: 1 variant allele.
Comment: BP4

NM_003664.5(AP3B1):c.1679A>G (p.Asn560Ser)

Gene: AP3B1 (adaptor related protein complex 3 subunit beta 1; minus strand). Cytogenetic location: 5q14.1.
Variant type: single nucleotide variant.
Coding change: c.1679A>G on transcript NM_003664.5 (MANE Select); coding-DNA position 1679, A replaced by G.
Protein change: p.Asn560Ser; replaces asparagine 560 with serine.
Molecular consequence: missense variant.
Genome position (GRCh38, 1-based): chr5:78,129,279, T>C on the plus strand (A>G on the coding strand, the complement: AP3B1 is on the minus strand). VCF-style: chr5-78129279-T-C. GRCh37 (hg19) VCF-style: chr5-77425103-T-C.
Other names: p.Asn560Ser; c.1679A>G (NM_003664.3); c.1532A>G, p.Asn511Ser (NM_001271769.2); short protein forms N560S, N511S.
Identifiers: ClinVar variation 572740 (VCV000572740.9), dbSNP rs776064198, ClinGen allele CA3316984.
Genomic context (GRCh38, chr5:78,129,279, plus strand): 5'-AGCTGCCTAATAAATCTTGTACGGTCTCTGATGTCGTAGTTTTGATCATACTTGCCGAGA[T>C]TTAATATGTACTGGGTAAGCAATTTTGTCTGTTGGAAAAAAACAGATCAAGATGAGAATA-3'
Protein context (NP_003655.3, residues 550-570): QTKLLTQYIL[Asn560Ser]LGKYDQNYDI